The following is an entry in ClinVar:

NM_001711.6(BGN):c.461C>A (p.Pro154Gln)

Gene: BGN (biglycan; plus strand). Cytogenetic location: Xq28.
Variant type: single nucleotide variant.
Coding change: c.461C>A on transcript NM_001711.6 (MANE Select); coding-DNA position 461, C replaced by A.
Protein change: p.Pro154Gln; replaces proline 154 with glutamine.
Molecular consequence: missense variant.
Genome position (GRCh38, 1-based): chrX:153,505,972, C>A. VCF-style: chrX-153505972-C-A. GRCh37 (hg19) VCF-style: chrX-152771430-C-A.
Other names: c.461C>A (NM_001711.4); short protein forms P154Q.
Identifiers: ClinVar variation 1448805 (VCV001448805.10), dbSNP rs368542911, ClinGen allele CA10547242.

ClinVar aggregate classification (germline): Uncertain significance. Review status: criteria provided, multiple submitters, no conflicts (2 of 4 stars). 3 submissions from 3 submitters: Uncertain significance (3). Last evaluated 2025-10-02.

Conditions:
Cardiovascular phenotype. Identifiers: MedGen CN230736.

Allele frequency attached by ClinVar (database versions not stated): ESP Exome Variant Server 0.00009.

Submissions (3):

Ambry Genetics
Classification: Uncertain significance for Cardiovascular phenotype. Last evaluated: 2025-10-02. Review status: criteria provided, single submitter. Criteria: Ambry Variant Classification Scheme 2023. Collection method: clinical testing. Allele origin: germline.
Comment: The c.461C>A (p.P154Q) alteration is located in exon 4 (coding exon 3) of the BGN gene. This alteration results from a C to A substitution at nucleotide position 461, causing the proline (P) at amino acid position 154 to be replaced by a glutamine (Q). Based on data from gnomAD, the A allele has an overall frequency of <0.001% (1/183252) total alleles studied. The highest observed frequency was 0.001% (1/81790) of European (non-Finnish) alleles. Based on insufficient or conflicting evidence, the clinical significance of this alteration remains unclear.

Labcorp Genetics (formerly Invitae), Labcorp
Classification: Uncertain significance. Last evaluated: 2024-12-29. Review status: criteria provided, single submitter. Criteria: Invitae Variant Classification Sherloc (09022015). Collection method: clinical testing. Allele origin: germline.
Comment: This sequence change replaces proline, which is neutral and non-polar, with glutamine, which is neutral and polar, at codon 154 of the BGN protein (p.Pro154Gln). This variant is present in population databases (rs368542911, gnomAD 0.002%). This variant has not been reported in the literature in individuals affected with BGN-related conditions. ClinVar contains an entry for this variant (Variation ID: 1448805). Invitae Evidence Modeling of protein sequence and biophysical properties (such as structural, functional, and spatial information, amino acid conservation, physicochemical variation, residue mobility, and thermodynamic stability) indicates that this missense variant is expected to disrupt BGN protein function with a positive predictive value of 80%. In summary, the available evidence is currently insufficient to determine the role of this variant in disease. Therefore, it has been classified as a Variant of Uncertain Significance.

Revvity Omics, Revvity
Classification: Uncertain significance. Last evaluated: 2021-05-07. Review status: criteria provided, single submitter. Criteria: ACMG Guidelines, 2015. Collection method: clinical testing. Allele origin: germline.